The following is an entry in ClinVar:

ClinVar aggregate classification (germline): Uncertain significance. Review status: criteria provided, multiple submitters, no conflicts (2 of 4 stars). 4 submissions from 4 submitters: Uncertain significance (4). Last evaluated 2024-11-04.

Conditions:
Deficiency of malonyl-CoA decarboxylase. Also called: Malonic aciduria; MCD deficiency. Identifiers: Orphanet 943, MedGen C0342793, MONDO:0009556, OMIM 248360.
Inborn genetic diseases. Identifiers: MedGen C0950123, MeSH D030342.

Allele frequency attached by ClinVar (database versions not stated): TOPMed 0.00003.
gnomAD v4.1: 22 of 1,614,046 alleles (0.0014%); highest among the groups gnomAD compares: Middle Eastern, 0.016%; no homozygotes.

Submissions (4):

GeneDx
Classification: Uncertain significance. Last evaluated: 2024-11-04. Review status: criteria provided, single submitter. Criteria: GeneDx Variant Classification Process June 2021. Collection method: clinical testing. Allele origin: germline. Affected: yes.
Comment: Not observed at significant frequency in large population cohorts (gnomAD); In silico analysis supports that this missense variant has a deleterious effect on protein structure/function; Has not been previously published as pathogenic or benign to our knowledge

Ambry Genetics
Classification: Uncertain significance for Inborn genetic diseases. Last evaluated: 2024-08-21. Review status: criteria provided, single submitter. Criteria: Ambry Variant Classification Scheme 2023. Collection method: clinical testing. Allele origin: germline.

Labcorp Genetics (formerly Invitae), Labcorp
Classification: Uncertain significance for Deficiency of malonyl-CoA decarboxylase. Last evaluated: 2024-01-02. Review status: criteria provided, single submitter. Criteria: Invitae Variant Classification Sherloc (09022015). Collection method: clinical testing. Allele origin: germline.
Comment: This sequence change replaces serine, which is neutral and polar, with leucine, which is neutral and non-polar, at codon 387 of the MLYCD protein (p.Ser387Leu). This variant is present in population databases (rs376324546, gnomAD 0.01%). This variant has not been reported in the literature in individuals affected with MLYCD-related conditions. ClinVar contains an entry for this variant (Variation ID: 320733). An algorithm developed to predict the effect of missense changes on protein structure and function (PolyPhen-2) suggests that this variant is likely to be disruptive. In summary, the available evidence is currently insufficient to determine the role of this variant in disease. Therefore, it has been classified as a Variant of Uncertain Significance.

Illumina Laboratory Services, Illumina
Classification: Uncertain significance for Deficiency of malonyl-CoA decarboxylase. Last evaluated: 2018-01-13. Review status: criteria provided, single submitter. Criteria: ICSL Variant Classification Criteria 13 December 2019. Collection method: clinical testing. Allele origin: germline.

NM_012213.3(MLYCD):c.1160C>T (p.Ser387Leu)

Gene: MLYCD (malonyl-CoA decarboxylase; plus strand). Cytogenetic location: 16q23.3.
Variant type: single nucleotide variant.
Coding change: c.1160C>T on transcript NM_012213.3 (MANE Select); coding-DNA position 1160, C replaced by T.
Protein change: p.Ser387Leu; replaces serine 387 with leucine.
Molecular consequence: missense variant.
Genome position (GRCh38, 1-based): chr16:83,915,167, C>T. VCF-style: chr16-83915167-C-T. GRCh37 (hg19) VCF-style: chr16-83948772-C-T.
Other names: short protein forms S387L.
Identifiers: ClinVar variation 320733 (VCV000320733.11), dbSNP rs376324546, ClinGen allele CA8197527.